The following is an entry in ClinVar:

NM_001395656.1(ROBO2):c.3443C>T (p.Ser1148Phe)

Gene: ROBO2 (roundabout guidance receptor 2; plus strand). Cytogenetic location: 3p12.3.
Variant type: single nucleotide variant.
Coding change: c.3443C>T on transcript NM_001395656.1 (MANE Select); coding-DNA position 3443, C replaced by T.
Protein change: p.Ser1148Phe; replaces serine 1148 with phenylalanine.
Molecular consequence: missense variant.
Genome position (GRCh38, 1-based): chr3:77,617,650, C>T. VCF-style: chr3-77617650-C-T. GRCh37 (hg19) VCF-style: chr3-77666801-C-T.
Other names: c.3479C>T, p.Ser1160Phe (NM_001128929.3); c.3443C>T, p.Ser1148Phe (NM_001290039.2, NM_001290040.2); c.1652C>T, p.Ser551Phe (NM_001290065.2); c.3491C>T, p.Ser1164Phe (NM_001378190.1, NM_001378200.1, NM_001378201.1 and 1 more transcripts); c.3617C>T, p.Ser1206Phe (NM_001378191.1, NM_001378195.1, NM_001378196.1); c.3512C>T, p.Ser1171Phe (NM_001378192.1, NM_001378198.1, NM_001378199.1); c.3431C>T, p.Ser1144Phe (NM_001378193.1, NM_002942.5); c.3629C>T, p.Ser1210Phe (NM_001378194.1); and 5 more; short protein forms S1144F, S1145F, S1148F, S1160F, S1164F, S1167F, S1171F, S1186F.
Identifiers: ClinVar variation 4535338 (VCV004535338.6).

ClinVar aggregate classification (germline): Uncertain significance (1 of 4 stars; one submission).

Submission:

CeGaT Center for Human Genetics Tuebingen
Classification: Uncertain significance. Last evaluated: 2025-11-01. Review status: criteria provided, single submitter. Criteria: CeGaT Center For Human Genetics Tuebingen Variant Classification Criteria Version 2. Collection method: clinical testing. Allele origin: germline. Affected: yes. Observed: 1 variant allele.
Comment: ROBO2: PM2, PP3